The following is an entry in ClinVar:

ClinVar aggregate classification (germline): Pathogenic (1 of 4 stars; one submission).

Conditions:
Hemolytic anemia due to pyrimidine 5' nucleotidase deficiency (CNSHA8). Also called: HEMOLYTIC ANEMIA DUE TO P5N DEFICIENCY; HEMOLYTIC ANEMIA DUE TO UMPH1 DEFICIENCY; P5N DEFICIENCY; UMPH1 DEFICIENCY; PYRIMIDINE 5-PRIME NUCLEOTIDASE DEFICIENCY, HEMOLYTIC ANEMIA DUE TO. Identifiers: Orphanet 35120, MedGen C1849507, MONDO:0009946, OMIM 266120.

Allele frequency attached by ClinVar (database versions not stated): gnomAD 0.00001; TOPMed 0.00001.
gnomAD v4.1: 3 of 1,609,646 alleles (0.00019%); highest among the groups gnomAD compares: Non-Finnish European, 0.00026%; no homozygotes.

Submission:

3billion
Classification: Pathogenic for Hemolytic anemia due to pyrimidine 5' nucleotidase deficiency. Last evaluated: 2022-05-22. Review status: criteria provided, single submitter. Criteria: ACMG Guidelines, 2015. Collection method: clinical testing. Allele origin: germline. Affected: yes. Observed: 1 homozygote.
Comment: The variant is not observed in the gnomAD v2.1.1 dataset. Stop-gained (nonsense): predicted to result in a loss or disruption of normal protein function through nonsense-mediated decay (NMD) or protein truncation. Multiple pathogenic variants are reported downstream of the variant. Therefore, this variant is classified as pathogenic according to the recommendation of ACMG/AMP guideline.

NM_001002010.5(NT5C3A):c.718G>T (p.Glu240Ter)

Gene: NT5C3A (5'-nucleotidase, cytosolic IIIA; minus strand). Cytogenetic location: 7p14.3.
Variant type: single nucleotide variant.
Coding change: c.718G>T on transcript NM_001002010.5 (MANE Select); coding-DNA position 718, G replaced by T.
Protein change: p.Glu240Ter; replaces glutamic acid 240 with a stop codon.
Molecular consequence: nonsense. On other transcripts: intron variant (1).
Genome position (GRCh38, 1-based): chr7:33,015,846, C>A on the plus strand (G>T on the coding strand, the complement: NT5C3A is on the minus strand). VCF-style: chr7-33015846-C-A. GRCh37 (hg19) VCF-style: chr7-33055458-C-A.
Other names: c.616G>T, p.Glu206Ter (NM_001002009.3, NM_016489.14); c.580G>T, p.Glu194Ter (NM_001166118.3, NM_001356996.3, NM_001374336.1 and 1 more transcripts); c.619G>T, p.Glu207Ter (NM_001374335.1); c.517G>T, p.Glu173Ter (NM_001374339.1); c.694-1015G>T (NM_001374338.1); short protein forms E173*, E194*, E206*, E207*, E240*.
Identifiers: ClinVar variation 1687500 (VCV001687500.1), dbSNP rs925502732, ClinGen allele CA156256195.